The following is an entry in ClinVar:

ClinVar aggregate classification (germline): Uncertain significance (1 of 4 stars; one submission).

Conditions:
Infantile-onset ascending hereditary spastic paralysis (IAHSP). Also called: Autosomal Recessive Juvenile Amyotrophic Lateral Sclerosis; Infantile-Onset Ascending Hereditary Spastic Paralysis (IAHSP). Identifiers: Orphanet 293168, MedGen C2931441, MONDO:0011797, OMIM 607225. Disease mechanism: loss of function.

gnomAD v4.1: 1 of 1,614,104 alleles (0.000062%); highest among the groups gnomAD compares: Non-Finnish European, 0.000085%; no homozygotes.

Submission:

Labcorp Genetics (formerly Invitae), Labcorp
Classification: Uncertain significance for Infantile-onset ascending hereditary spastic paralysis. Last evaluated: 2021-12-08. Review status: criteria provided, single submitter. Criteria: Invitae Variant Classification Sherloc (09022015). Collection method: clinical testing. Allele origin: germline.
Comment: This sequence change replaces phenylalanine, which is neutral and non-polar, with leucine, which is neutral and non-polar, at codon 1127 of the ALS2 protein (p.Phe1127Leu). This variant is not present in population databases (gnomAD no frequency). This variant has not been reported in the literature in individuals affected with ALS2-related conditions. Algorithms developed to predict the effect of missense changes on protein structure and function are either unavailable or do not agree on the potential impact of this missense change (SIFT: "Deleterious"; PolyPhen-2: "Probably Damaging"; Align-GVGD: "Class C15"). In summary, the available evidence is currently insufficient to determine the role of this variant in disease. Therefore, it has been classified as a Variant of Uncertain Significance.

NM_020919.4(ALS2):c.3381T>A (p.Phe1127Leu)

Gene: ALS2 (alsin Rho guanine nucleotide exchange factor ALS2; minus strand). Cytogenetic location: 2q33.1.
Variant type: single nucleotide variant.
Coding change: c.3381T>A on transcript NM_020919.4 (MANE Select); coding-DNA position 3381, T replaced by A.
Protein change: p.Phe1127Leu; replaces phenylalanine 1127 with leucine.
Molecular consequence: missense variant.
Genome position (GRCh38, 1-based): chr2:201,724,426, A>T on the plus strand (T>A on the coding strand, the complement: ALS2 is on the minus strand). VCF-style: chr2-201724426-A-T. GRCh37 (hg19) VCF-style: chr2-202589149-A-T.
Other names: short protein forms F1127L.
Identifiers: ClinVar variation 1381451 (VCV001381451.3), dbSNP rs2106001346, ClinGen allele CA350319850.
Genomic context (GRCh38, chr2:201,724,426, plus strand): 5'-AGAAGAGGACGTCAATTTCCCACTTCGTAGAAGACCATGACCATGACGCATATTATCTTG[A>T]AAACAGCCCTCAAATACTTCACCAGAAGCATAGCTGTGGTTGGAAAGAATGGATAATTAT-3'
Protein context (NP_065970.2, residues 1117-1137): YASGEVFEGC[Phe1127Leu]QDNMRHGHGL